The following is an entry in ClinVar:

NM_001080508.3(TBX18):c.1625C>T (p.Ala542Val)

Gene: TBX18 (T-box transcription factor 18; minus strand). Cytogenetic location: 6q14.3.
Variant type: single nucleotide variant.
Coding change: c.1625C>T on transcript NM_001080508.3 (MANE Select); coding-DNA position 1625, C replaced by T.
Protein change: p.Ala542Val; replaces alanine 542 with valine.
Molecular consequence: missense variant.
Genome position (GRCh38, 1-based): chr6:84,736,884, G>A on the plus strand (C>T on the coding strand, the complement: TBX18 is on the minus strand). VCF-style: chr6-84736884-G-A. GRCh37 (hg19) VCF-style: chr6-85446602-G-A.
Other names: short protein forms A542V.
Identifiers: ClinVar variation 2637085 (VCV002637085.1), dbSNP rs1203522351, ClinGen allele CA364893869.
Genomic context (GRCh38, chr6:84,736,884, plus strand): 5'-GTCCCACTCGGTGAGGACCCCAAGAAACTTCCTTGGGAAGAAACAATTTTCTCAGGACTG[G>A]CAGCCAGTTTGGGGGATGTGGAGAAGTTATATCCATATAGTGCACAGGGGCTGTGTAATC-3'
Protein context (NP_001073977.1, residues 532-552): YNFSTSPKLA[Ala542Val]SPEKIVSSQG

ClinVar aggregate classification (germline): Uncertain significance (1 of 4 stars; one submission).

Conditions:
TBX18-related disorder. Also called: TBX18-related condition.

Submission:

PreventionGenetics, part of Exact Sciences
Classification: Uncertain significance for TBX18-related condition. Last evaluated: 2022-10-08. Review status: criteria provided, single submitter. Criteria: ACMG Guidelines, 2015. Collection method: clinical testing. Allele origin: germline.
Comment: The TBX18 c.1625C>T variant is predicted to result in the amino acid substitution p.Ala542Val. To our knowledge, this variant has not been reported in the literature or in a large population database, indicating this variant is rare. At this time, the clinical significance of this variant is uncertain due to the absence of conclusive functional and genetic evidence.